The following is an entry in ClinVar:

NC_000009.11:g.(?_26925803)_(26935224_?)dup

Gene: PLAA (phospholipase A2 activating protein; minus strand). Cytogenetic location: 9p21.2.
Variant type: Duplication.
Identifiers: ClinVar variation 2423498 (VCV002423498.3).

ClinVar aggregate classification (germline): Uncertain significance (1 of 4 stars; one submission).

Submission:

Labcorp Genetics (formerly Invitae), Labcorp
Classification: Uncertain significance. Last evaluated: 2021-04-01. Review status: criteria provided, single submitter. Criteria: Invitae Variant Classification Sherloc (09022015). Collection method: clinical testing. Allele origin: germline.
Comment: In summary, the available evidence is currently insufficient to determine the role of this variant in disease. Therefore, it has been classified as a Variant of Uncertain Significance. Experimental studies and prediction algorithms are not available or were not evaluated, and the functional significance of this variant is currently unknown. This variant has not been reported in the literature in individuals with PLAA-related conditions. This variant results in a copy number gain of the genomic region encompassing exon(s) 2-6 of the PLAA gene. While the exact position of this variant cannot be determined from the data, sub-genic copy number gains are generally in tandem (PMID: 25640679). This variant is predicted to be in-frame, and likely preserves the integrity of the reading frame.

Literature cited by the submitters: PubMed 25640679.